The following is an entry in ClinVar:

NM_000218.3(KCNQ1):c.704T>C (p.Ile235Thr)

Gene: KCNQ1 (potassium voltage-gated channel subfamily Q member 1; plus strand). Cytogenetic location: 11p15.5.
Variant type: single nucleotide variant.
Coding change: c.704T>C on transcript NM_000218.3 (MANE Select); coding-DNA position 704, T replaced by C.
Protein change: p.Ile235Thr; replaces isoleucine 235 with threonine.
Molecular consequence: missense variant.
Genome position (GRCh38, 1-based): chr11:2,572,033, T>C. VCF-style: chr11-2572033-T-C. GRCh37 (hg19) VCF-style: chr11-2593263-T-C.
Other names: c.704T>C, p.Ile235Thr (NM_001406836.1); c.434T>C, p.Ile145Thr (NM_001406837.1); c.323T>C, p.Ile108Thr (NM_181798.2); short protein forms I108T, I145T, I235T.
Identifiers: ClinVar variation 2429687 (VCV002429687.1), dbSNP rs199472710, ClinGen allele CA379130934.

ClinVar aggregate classification (germline): Uncertain significance (1 of 4 stars; one submission).

Submission:

GeneDx
Classification: Uncertain significance. Last evaluated: 2022-08-08. Review status: criteria provided, single submitter. Criteria: GeneDx Variant Classification Process June 2021. Collection method: clinical testing. Allele origin: germline. Affected: yes.
Comment: Not observed at significant frequency in large population cohorts (gnomAD); In silico analysis supports that this missense variant has a deleterious effect on protein structure/function; Has not been previously published as pathogenic or benign to our knowledge